The following is an entry in ClinVar:

ClinVar aggregate classification (germline): Uncertain significance (1 of 4 stars; one submission).

gnomAD v4.1: 1 of 1,612,778 alleles (0.000062%); highest among the groups gnomAD compares: Non-Finnish European, 0.000085%; no homozygotes.

Submission:

GeneDx
Classification: Uncertain significance. Last evaluated: 2024-01-12. Review status: criteria provided, single submitter. Criteria: GeneDx Variant Classification Process June 2021. Collection method: clinical testing. Allele origin: germline. Affected: yes.
Comment: Not observed at significant frequency in large population cohorts (gnomAD); In silico analysis supports that this missense variant has a deleterious effect on protein structure/function; Has not been previously published as pathogenic or benign to our knowledge

NM_001378615.1(CC2D2A):c.170T>C (p.Leu57Pro)

Genes: CC2D2A (coiled-coil and C2 domain containing 2A; plus strand), FBXL5 (F-box and leucine rich repeat protein 5; minus strand). Cytogenetic location: 4p15.32.
Variant type: single nucleotide variant.
Coding change: c.170T>C on transcript NM_001378615.1 (MANE Select); coding-DNA position 170, T replaced by C.
Protein change: p.Leu57Pro; replaces leucine 57 with proline.
Molecular consequence: missense variant. On other transcripts: synonymous variant (1).
Genome position (GRCh38, 1-based): chr4:15,480,750, T>C. VCF-style: chr4-15480750-T-C. GRCh37 (hg19) VCF-style: chr4-15482374-T-C.
Other names: c.170T>C, p.Leu57Pro (NM_001080522.2, NM_001164720.3); c.23T>C, p.Leu8Pro (NM_001378617.1); c.276T>C, p.Pro92= (NM_020785.2); short protein forms L57P, L8P.
Identifiers: ClinVar variation 3367821 (VCV003367821.1).